The following is an entry in ClinVar:

ClinVar aggregate classification (germline): Uncertain significance (1 of 4 stars; one submission).

gnomAD v4.1: 6 of 1,614,070 alleles (0.00037%); highest among the groups gnomAD compares: African/African-American, 0.008%; no homozygotes.

Submission:

Labcorp Genetics (formerly Invitae), Labcorp
Classification: Uncertain significance. Last evaluated: 2025-09-29. Review status: criteria provided, single submitter. Criteria: Invitae Variant Classification Sherloc (09022015). Collection method: clinical testing. Allele origin: germline.
Comment: This sequence change replaces glutamine, which is neutral and polar, with leucine, which is neutral and non-polar, at codon 867 of the CSF2RB protein (p.Gln867Leu). This variant is present in population databases (rs746804439, gnomAD 0.007%). This variant has not been reported in the literature in individuals affected with CSF2RB-related conditions. An algorithm developed to predict the effect of missense changes on protein structure and function (PolyPhen-2) suggests that this variant is likely to be disruptive. In summary, the available evidence is currently insufficient to determine the role of this variant in disease. Therefore, it has been classified as a Variant of Uncertain Significance.

NM_000395.3(CSF2RB):c.2600A>T (p.Gln867Leu)

Gene: CSF2RB (colony stimulating factor 2 receptor subunit beta; plus strand). Cytogenetic location: 22q12.3.
Variant type: single nucleotide variant.
Coding change: c.2600A>T on transcript NM_000395.3 (MANE Select); coding-DNA position 2600, A replaced by T.
Protein change: p.Gln867Leu; replaces glutamine 867 with leucine.
Molecular consequence: missense variant.
Genome position (GRCh38, 1-based): chr22:36,938,408, A>T. VCF-style: chr22-36938408-A-T. GRCh37 (hg19) VCF-style: chr22-37334450-A-T.
Other names: c.2618A>T, p.Gln873Leu (NM_001410827.1); short protein forms Q867L, Q873L.
Identifiers: ClinVar variation 4761896 (VCV004761896.1).
Genomic context (GRCh38, chr22:36,938,408, plus strand): 5'-AGATCAAGAACCTAGACCAGGCTTTTCAAGTCAAGAAGCCCCCAGGCCAGGCTGTGCCCC[A>T]GGTGCCCGTCATTCAGCTCTTCAAAGCCCTGAAGCAGCAGGACTACCTGTCTCTGCCCCC-3'
Protein context (NP_000386.1, residues 857-877): VKKPPGQAVP[Gln867Leu]VPVIQLFKAL